The following is an entry in ClinVar:

ClinVar aggregate classification (germline): Uncertain significance (1 of 4 stars; one submission).

Submission:

Labcorp Genetics (formerly Invitae), Labcorp
Classification: Uncertain significance. Last evaluated: 2024-05-13. Review status: criteria provided, single submitter. Criteria: Invitae Variant Classification Sherloc (09022015). Collection method: clinical testing. Allele origin: germline.
Comment: This sequence change replaces valine, which is neutral and non-polar, with isoleucine, which is neutral and non-polar, at codon 600 of the CELSR2 protein (p.Val600Ile). This variant is not present in population databases (gnomAD no frequency). This variant has not been reported in the literature in individuals affected with CELSR2-related conditions. Advanced modeling of protein sequence and biophysical properties (such as structural, functional, and spatial information, amino acid conservation, physicochemical variation, residue mobility, and thermodynamic stability) performed at Invitae indicates that this missense variant is not expected to disrupt CELSR2 protein function with a negative predictive value of 80%. In summary, the available evidence is currently insufficient to determine the role of this variant in disease. Therefore, it has been classified as a Variant of Uncertain Significance.

NM_001408.3(CELSR2):c.1798G>A (p.Val600Ile)

Gene: CELSR2 (cadherin EGF LAG seven-pass G-type receptor 2; plus strand). Cytogenetic location: 1p13.3.
Variant type: single nucleotide variant.
Coding change: c.1798G>A on transcript NM_001408.3 (MANE Select); coding-DNA position 1798, G replaced by A.
Protein change: p.Val600Ile; replaces valine 600 with isoleucine.
Molecular consequence: missense variant.
Genome position (GRCh38, 1-based): chr1:109,251,877, G>A. VCF-style: chr1-109251877-G-A. GRCh37 (hg19) VCF-style: chr1-109794499-G-A.
Other names: short protein forms V600I.
Identifiers: ClinVar variation 3652279 (VCV003652279.2).
Genomic context (GRCh38, chr1:109,251,877, plus strand): 5'-GTAGAAGCTCGAGACCATGGCACTCCAGCACTCACTGCCTCGGCCAGTGTCAGCGTGACT[G>A]TCCTGGATGTCAACGACAACAATCCAACCTTTACCCAACCAGAGTACACAGTGCGGCTCA-3'
Protein context (NP_001399.1, residues 590-610): LTASASVSVT[Val600Ile]LDVNDNNPTF